The following is an entry in ClinVar:

ClinVar aggregate classification (germline): Uncertain significance (1 of 4 stars; one submission).

Submission:

CeGaT Center for Human Genetics Tuebingen
Classification: Uncertain significance. Last evaluated: 2025-05-01. Review status: criteria provided, single submitter. Criteria: CeGaT Center For Human Genetics Tuebingen Variant Classification Criteria Version 2. Collection method: clinical testing. Allele origin: germline. Affected: yes. Observed: 1 variant allele.
Comment: WEE2: PM2, BP4

NM_001105558.1(WEE2):c.463A>G (p.Ile155Val)

Genes: WEE2 (WEE2 oocyte meiosis inhibiting kinase; plus strand), WEE2-AS1 (WEE2 antisense RNA 1; minus strand). Cytogenetic location: 7q34.
Variant type: single nucleotide variant.
Coding change: c.463A>G on transcript NM_001105558.1 (MANE Select); coding-DNA position 463, A replaced by G.
Protein change: p.Ile155Val; replaces isoleucine 155 with valine.
Molecular consequence: missense variant. On other transcripts: non-coding transcript variant (1).
Genome position (GRCh38, 1-based): chr7:141,714,329, A>G. VCF-style: chr7-141714329-A-G. GRCh37 (hg19) VCF-style: chr7-141414129-A-G.
Other names: short protein forms I155V.
Identifiers: ClinVar variation 3905651 (VCV003905651.10).
Genomic context (GRCh38, chr7:141,714,329, plus strand): 5'-CATTTGAAGCTCACACCTGCTCCCCTCAAGGATGAGATGACCTCATTGGCTCTGGTCAAT[A>G]TTAATCCCTTCACTCCAGAGTCCTATAAAAAATTATTTCTTCAATCTGGTGGCAAGAGGA-3'
Protein context (NP_001099028.1, residues 145-165): DEMTSLALVN[Ile155Val]NPFTPESYKK